The following is an entry in ClinVar:

NM_004667.6(HERC2):c.7069+3G>A

Gene: HERC2 (HECT and RLD domain containing E3 ubiquitin protein ligase 2; minus strand). Cytogenetic location: 15q13.1.
Variant type: single nucleotide variant.
Coding change: c.7069+3G>A on transcript NM_004667.6 (MANE Select); 3 bases into the intron after coding-DNA position 7069, G replaced by A.
Molecular consequence: intron variant.
Genome position (GRCh38, 1-based): chr15:28,210,999, C>T on the plus strand (G>A on the coding strand, the complement: HERC2 is on the minus strand). VCF-style: chr15-28210999-C-T. GRCh37 (hg19) VCF-style: chr15-28456145-C-T.
Identifiers: ClinVar variation 1029884 (VCV001029884.1), dbSNP rs778173804, ClinGen allele CA7441884.
Genomic context (GRCh38, chr15:28,210,999, plus strand): 5'-ACTTCCTTTGTCTACTTTCTACTGCCCTTCTTATAAAGATTTAAGAACTTTTTAAAAAGA[C>T]ACCTGTGTGAACAGTTCCAGTCTCCTGAACAGCTGGCTGAGACAGGATCTGCCGCAGTTT-3'

ClinVar aggregate classification (germline): Uncertain significance (1 of 4 stars; one submission).

Conditions:
Prader-Willi syndrome (PWS). Identifiers: Orphanet 739, MedGen C0032897, MONDO:0008300, OMIM 176270. Disease mechanism: loss of function, Microdeletion. Inheritance: Microdletion.

Allele frequency attached by ClinVar (database versions not stated): TOPMed below 0.00001; gnomAD exomes 0.00003; ExAC 0.00012.
gnomAD v4.1: 19 of 1,347,498 alleles (0.0014%); highest among the groups gnomAD compares: East Asian, 0.039%; no homozygotes.

Submission:

Baylor Genetics
Classification: Uncertain significance for Prader-Willi syndrome. Last evaluated: 2019-07-26. Review status: criteria provided, single submitter. Criteria: ACMG Guidelines, 2015. Collection method: clinical testing. Allele origin: unknown. Affected: yes.
Comment: This variant was determined to be of uncertain significance according to ACMG Guidelines, 2015 [PMID:25741868].